The following is an entry in ClinVar:

ClinVar aggregate classification (germline): Benign/Likely benign. Review status: criteria provided, multiple submitters, no conflicts (2 of 4 stars). 2 submissions from 2 submitters: Benign (1); Likely benign (1). Last evaluated 2026-05-22.

Conditions:
RETREG1-related disorder. Also called: RETREG1-related condition.

Allele frequency attached by ClinVar (database versions not stated): gnomAD 0.00003 and 0.00008; gnomAD exomes 0.00004 and 0.00020; TOPMed 0.00008; ExAC 0.00014; 1000 Genomes Project 0.00060; 1000 Genomes Project 30x 0.00094.
gnomAD v4.1: 65 of 1,613,732 alleles (0.004%); highest among the groups gnomAD compares: East Asian, 0.14%; no homozygotes.

Submissions (2):

PreventionGenetics, part of Exact Sciences
Classification: Likely benign for RETREG1-related condition. Last evaluated: 2026-05-22. Review status: criteria provided, single submitter. Criteria: ACMG Guidelines, 2015. Collection method: clinical testing. Allele origin: germline.
Comment: This variant is classified as likely benign based on ACMG/AMP sequence variant interpretation guidelines (Richards et al. 2015 PMID: 25741868, with internal and published modifications).

Labcorp Genetics (formerly Invitae), Labcorp
Classification: Benign. Last evaluated: 2025-12-12. Review status: criteria provided, single submitter. Criteria: Invitae Variant Classification Sherloc (09022015). Collection method: clinical testing. Allele origin: germline.

NM_001034850.3(RETREG1):c.1068C>T (p.Gly356=)

Gene: RETREG1 (reticulophagy regulator 1; minus strand). Cytogenetic location: 5p15.1.
Variant type: single nucleotide variant.
Coding change: c.1068C>T on transcript NM_001034850.3 (MANE Select); coding-DNA position 1068, C replaced by T.
Protein change: p.Gly356=; no amino-acid change (glycine 356 retained).
Molecular consequence: synonymous variant.
Genome position (GRCh38, 1-based): chr5:16,475,167, G>A on the plus strand (C>T on the coding strand, the complement: RETREG1 is on the minus strand). VCF-style: chr5-16475167-G-A. GRCh37 (hg19) VCF-style: chr5-16475276-G-A.
Other names: c.645C>T, p.Gly215= (NM_019000.5); c.1068C>T (NM_001034850.2).
Identifiers: ClinVar variation 1168879 (VCV001168879.10), dbSNP rs190084506, ClinGen allele CA3210247.